The following is an entry in ClinVar:

ClinVar aggregate classification (germline): Uncertain significance. Review status: criteria provided, multiple submitters, no conflicts (2 of 4 stars). 6 submissions from 5 submitters: Uncertain significance (6). Last evaluated 2025-03-17.

Conditions:
SCN1A-related disorder. Also called: SCN1A-related conditions; SCN1A-related condition; SCN1A-related disorders.
Generalized epilepsy with febrile seizures plus, type 2 (GEFSP2). Also called: GEFS+, TYPE 2. Identifiers: Orphanet 36387, MedGen C1858673, MONDO:0011461, OMIM 604403.
Developmental and epileptic encephalopathy 6B. Also called: Developmental and epileptic encephalopathy 6B, non-Dravet. Identifiers: MedGen C5543353, MONDO:0030268, OMIM 619317.
Severe myoclonic epilepsy in infancy (DRVT). Also called: Epileptic encephalopathy, early infantile, 6 (Dravet syndrome); Dravet syndrome; SEVERE MYOCLONIC EPILEPSY OF INFANCY; DEVELOPMENTAL AND EPILEPTIC ENCEPHALOPATHY 6A; Severe Myoclonic Epilepsy in Infancy (SMEI). Identifiers: Orphanet 33069, MedGen C0751122, MONDO:0100135, OMIM 607208.
Migraine, familial hemiplegic, 3. Identifiers: Orphanet 569, MedGen C1864987, MONDO:0012320, OMIM 609634.
Early-infantile DEE. Also called: Early infantile epileptic encephalopathy with suppression bursts; Ohtahara syndrome; Early infantile epileptic encephalopathy. Identifiers: Orphanet 1934, MedGen C0393706, MONDO:0800491.

Allele frequency attached by ClinVar (database versions not stated): TOPMed below 0.00001; gnomAD exomes 0.00002 and 0.00005; ExAC 0.00006.
gnomAD v4.1: 36 of 1,613,754 alleles (0.0022%); highest among the groups gnomAD compares: South Asian, 0.021%; no homozygotes.

Submissions (6):

Labcorp Genetics (formerly Invitae), Labcorp
Classification: Uncertain significance for Early-infantile DEE. Last evaluated: 2025-03-17. Review status: criteria provided, single submitter. Criteria: Invitae Variant Classification Sherloc (09022015). Collection method: clinical testing. Allele origin: germline.
Comment: This sequence change replaces isoleucine, which is neutral and non-polar, with threonine, which is neutral and polar, at codon 448 of the SCN1A protein (p.Ile448Thr). This variant is present in population databases (rs755962326, gnomAD 0.02%). This missense change has been observed in individual(s) with clinical features of SCN1A-related conditions (internal data). ClinVar contains an entry for this variant (Variation ID: 626009). Invitae Evidence Modeling of protein sequence and biophysical properties (such as structural, functional, and spatial information, amino acid conservation, physicochemical variation, residue mobility, and thermodynamic stability) indicates that this missense variant is not expected to disrupt SCN1A protein function with a negative predictive value of 95%. In summary, the available evidence is currently insufficient to determine the role of this variant in disease. Therefore, it has been classified as a Variant of Uncertain Significance.

Daryl Scott Lab, Baylor College of Medicine
Classification: Uncertain significance for SCN1A-related disorder. Last evaluated: 2024-01-01. Review status: criteria provided, single submitter. Criteria: ACMG Guidelines, 2015. Collection method: clinical testing. Allele origin: paternal. Observed: 1 heterozygote.
Comment: PM2

Institute for Medical Genetics and Human Genetics, Charité - Universitätsmedizin Berlin
Classification: Uncertain significance for Generalized epilepsy with febrile seizures plus, type 2. Last evaluated: 2022-09-27. Review status: criteria provided, single submitter. Criteria: ACMG Guidelines, 2015. Collection method: clinical testing. Allele origin: germline. Inheritance: Autosomal dominant inheritance. Affected: yes. Observed: 1 heterozygote.

Center for Genomics, Ann and Robert H. Lurie Children's Hospital of Chicago
Classification: Uncertain significance for Developmental and epileptic encephalopathy 6B; Migraine, familial hemiplegic, 3; Severe myoclonic epilepsy in infancy; Generalized epilepsy with febrile seizures plus, type 2. Last evaluated: 2021-03-30. Review status: criteria provided, single submitter. Criteria: ACMG Guidelines, 2015. Collection method: clinical testing. Allele origin: germline.
Comment: SCN1A NM_001165963.1 exon 9 p.Ile448Thr (c.1343T>C): This variant has not been reported in the literature but is present in 5/30778 South Asian alleles in the Genome Aggregation Database. Evolutionary conservation and computational predictive tools are unclear. In summary, data on this variant is insufficient for disease classification. Therefore, the clinical significance of this variant is uncertain.

GeneDx
Classification: Uncertain significance. Last evaluated: 2019-09-03. Review status: criteria provided, single submitter. Criteria: GeneDx Variant Classification Process June 2021. Collection method: clinical testing. Allele origin: germline. Affected: yes.
Comment: The majority of missense variants in this gene are considered pathogenic (Stenson et al., 2014); In silico analysis, which includes protein predictors and evolutionary conservation, supports a deleterious effect; Has not been previously published as pathogenic or benign to our knowledge; This substitution is predicted to be within the cytoplasmic loop between the first and second homologous domains

Center for Genomics, Ann and Robert H. Lurie Children's Hospital of Chicago
Classification: Uncertain significance for Generalized epilepsy with febrile seizures plus, type 2; Severe myoclonic epilepsy in infancy; Migraine, familial hemiplegic, 3. Last evaluated: 2018-04-09. Review status: criteria provided, single submitter. Criteria: ACMG Guidelines, 2015. Collection method: clinical testing. Allele origin: germline.
Comment: the same text as in the submission from Center for Genomics, Ann and Robert H. Lurie Children's Hospital of Chicago above.

NM_001165963.4(SCN1A):c.1343T>C (p.Ile448Thr)

Gene: SCN1A (sodium voltage-gated channel alpha subunit 1; minus strand). Cytogenetic location: 2q24.3.
Variant type: single nucleotide variant.
Coding change: c.1343T>C on transcript NM_001165963.4 (MANE Select); coding-DNA position 1343, T replaced by C.
Protein change: p.Ile448Thr; replaces isoleucine 448 with threonine.
Molecular consequence: missense variant. On other transcripts: 5 prime UTR variant (1), non-coding transcript variant (1).
Genome position (GRCh38, 1-based): chr2:166,046,804, A>G on the plus strand (T>C on the coding strand, the complement: SCN1A is on the minus strand). VCF-style: chr2-166046804-A-G. GRCh37 (hg19) VCF-style: chr2-166903314-A-G.
Other names: c.1343T>C, p.Ile448Thr (NM_001165964.3, NM_001202435.3, NM_001353948.2 and 10 more transcripts); c.-1083T>C (NM_001353961.2); short protein forms I448T.
Identifiers: ClinVar variation 626009 (VCV000626009.15), dbSNP rs755962326, ClinGen allele CA1943327.